The following is an entry in ClinVar:

NM_000381.4(MID1):c.1649G>A (p.Ser550Asn)

Gene: MID1 (midline 1; minus strand). Cytogenetic location: Xp22.2.
Variant type: single nucleotide variant.
Coding change: c.1649G>A on transcript NM_000381.4 (MANE Select); coding-DNA position 1649, G replaced by A.
Protein change: p.Ser550Asn; replaces serine 550 with asparagine.
Molecular consequence: missense variant.
Genome position (GRCh38, 1-based): chrX:10,454,876, C>T on the plus strand (G>A on the coding strand, the complement: MID1 is on the minus strand). VCF-style: chrX-10454876-C-T. GRCh37 (hg19) VCF-style: chrX-10422916-C-T.
Other names: c.1649G>A, p.Ser550Asn (NM_001098624.2, NM_001193277.1, NM_001347733.2 and 1 more transcripts); c.1535G>A, p.Ser512Asn (NM_033289.2); short protein forms S512N, S550N.
Identifiers: ClinVar variation 1805722 (VCV001805722.1), dbSNP rs1053131054, ClinGen allele CA326620420.
Genomic context (GRCh38, chrX:10,454,876, plus strand): 5'-CAGAATGAGATGTGCCTTTTTATAACTGCAGGACAATAGAAATAAGTTGCTTACCATGTG[C>T]TTCCACTTATGACCACTTCCCAATAATGCCGGCCACTATCAATAAACACATTTCCAGCTA-3'
Protein context (NP_000372.1, residues 540-560): RHYWEVVISG[Ser550Asn]TWYAIGLAYK

ClinVar aggregate classification (germline): Uncertain significance (1 of 4 stars; one submission).

Conditions:
X-linked Opitz G/BBB syndrome (GBBB). Also called: Opitz-Frias syndrome; OPITZ BBBG SYNDROME, TYPE I; OPITZ SYNDROME, X-LINKED; OPITZ-G SYNDROME, TYPE I; MID1-Related Opitz G/BBB Syndrome. Identifiers: Orphanet 2745, MedGen C2936904, MONDO:0010222, OMIM 300000.

Allele frequency attached by ClinVar (database versions not stated): gnomAD 0.00001.
gnomAD v4.1: 1 of 1,206,093 alleles (0.000083%); highest among the groups gnomAD compares: African/African-American, 0.0017%; no homozygotes.

Submission:

Victorian Clinical Genetics Services, Murdoch Childrens Research Institute
Classification: Uncertain significance for X-linked Opitz G/BBB syndrome. Last evaluated: 2020-06-11. Review status: criteria provided, single submitter. Criteria: ACMG Guidelines, 2015. Collection method: clinical testing. Allele origin: germline. Inheritance: X-linked recessive inheritance. Affected: yes.
Comment: Based on the classification scheme VCGS_Germline_v1.1.1, this variant is classified as 3B-VUS. Following criteria are met: 0102 - Loss-of-function is a known mechanism of disease for this gene. (N) 0109 - This gene is known to be associated with X-linked recessive disease. Female carriers have been reported to be mildly affected (PMID: 29456483). (N) 0112 - Variants in this gene are known to have reduced penetrance. (N) 0200 - Variant is predicted to result in a missense amino acid change from serine to asparagine. This variant is in exon 9 of the MID1 gene. (N) 0251 - Variant is heterozygous. (N) 0304 - Variant is present in gnomAD <0.01 for a recessive condition (1 heterozygote, 0 homozygotes, 0 hemizygotes). (P) 0502 - Missense variant with conflicting in silico predictions and/or uninformative conservation. (N) 0600 - Variant is located in an annotated domain or motif. In the SPRY domain (NCBI, DECIPHER, PDB). (N) 0705 - No comparable variants have previous evidence for pathogenicity. (N) 0807 - Variant has not previously been reported in a clinical context. (N) 0905 - No segregation evidence has been identified for this variant in the literature. (N) 1007 - No published functional evidence has been identified for this variant. (N) 1208 - Inheritance information for this variant is not currently available. (N) Legend: (P) - Pathogenic, (N) - Neutral, (B) - Benign

Literature cited by the submitters: PubMed 20671548; PubMed 29456483.